The following is an entry in ClinVar:

NM_001282684.2(KCTD17):c.854G>A (p.Arg285His)

Gene: KCTD17 (potassium channel tetramerization domain containing 17; plus strand). Cytogenetic location: 22q12.3.
Variant type: single nucleotide variant.
Coding change: c.854G>A on transcript NM_001282684.2 (MANE Select); coding-DNA position 854, G replaced by A.
Protein change: p.Arg285His; replaces arginine 285 with histidine.
Molecular consequence: missense variant. On other transcripts: 3 prime UTR variant (1), intron variant (1).
Genome position (GRCh38, 1-based): chr22:37,061,608, G>A. VCF-style: chr22-37061608-G-A. GRCh37 (hg19) VCF-style: chr22-37457648-G-A.
Other names: c.*25G>A (NM_001282685.2); c.782G>A, p.Arg261His (NM_024681.4); c.613-917G>A (NM_001282686.2); short protein forms R261H, R285H.
Identifiers: ClinVar variation 1433864 (VCV001433864.9), dbSNP rs765037421, ClinGen allele CA10215166.

ClinVar aggregate classification (germline): Conflicting classifications of pathogenicity. Review status: criteria provided, conflicting classifications (1 of 4 stars). 3 submissions from 3 submitters: Uncertain significance (2); Likely benign (1). Last evaluated 2024-02-27.

Conditions:
Myoclonic dystonia 26. Identifiers: MedGen C4225341, MONDO:0014620, OMIM 616398.

Allele frequency attached by ClinVar (database versions not stated): gnomAD 0.00001; gnomAD exomes 0.00003; ExAC 0.00005; TOPMed 0.00005.

Submissions (3):

Blueprint Genetics
Classification: Likely benign. Last evaluated: 2024-02-27. Review status: criteria provided, single submitter. Criteria: ACMG Guidelines, 2015. Collection method: clinical testing. Allele origin: germline.

Molecular Genetics, Royal Melbourne Hospital
Classification: Uncertain significance for Myoclonic dystonia 26. Last evaluated: 2023-03-30. Review status: criteria provided, single submitter. Criteria: ACMG Guidelines, 2015. Collection method: clinical testing. Allele origin: germline.
Comment: This sequence change is predicted to replace arginine with histidine at codon 292 of the KCTD17 protein (p.(Arg292His)). The arginine residue is not conserved (100 vertebrates, UCSC), and is not located in a known functional domain. There is a small physicochemical difference between arginine and histidine. The variant is present in a large population cohort at a frequency of 0.004% (rs765037421, 10/267,502 alleles, 0 homozygotes in gnomAD v2.1), and has not been reported in the relevant medical literature or databases. Multiple lines of computational evidence predict a benign effect for the missense substitution (5/5 algorithms). Based on the classification scheme RMH Modified ACMG Guidelines v1.3.1, this variant is classified as a VARIANT OF UNCERTAIN SIGNIFICANCE. Following criteria are met: BP4.

Labcorp Genetics (formerly Invitae), Labcorp
Classification: Uncertain significance for Myoclonic dystonia 26. Last evaluated: 2022-08-23. Review status: criteria provided, single submitter. Criteria: Invitae Variant Classification Sherloc (09022015). Collection method: clinical testing. Allele origin: germline.
Comment: Algorithms developed to predict the effect of missense changes on protein structure and function output the following: SIFT: "Deleterious"; PolyPhen-2: "Benign"; Align-GVGD: "Class C0". The histidine amino acid residue is found in multiple mammalian species, which suggests that this missense change does not adversely affect protein function. In summary, the available evidence is currently insufficient to determine the role of this variant in disease. Therefore, it has been classified as a Variant of Uncertain Significance. ClinVar contains an entry for this variant (Variation ID: 1433864). This variant has not been reported in the literature in individuals affected with KCTD17-related conditions. The frequency data for this variant in the population databases is considered unreliable, as metrics indicate poor data quality at this position in the gnomAD database. This sequence change replaces arginine, which is basic and polar, with histidine, which is basic and polar, at codon 292 of the KCTD17 protein (p.Arg292His).